The following is an entry in ClinVar:

NM_001165963.4(SCN1A):c.5249G>A (p.Ser1750Asn)

Genes: SCN1A (sodium voltage-gated channel alpha subunit 1; minus strand), LOC102724058 (uncharacterized LOC102724058; plus strand). Cytogenetic location: 2q24.3.
Variant type: single nucleotide variant.
Coding change: c.5249G>A on transcript NM_001165963.4 (MANE Select); coding-DNA position 5249, G replaced by A.
Protein change: p.Ser1750Asn; replaces serine 1750 with asparagine.
Molecular consequence: missense variant. On other transcripts: non-coding transcript variant (1).
Genome position (GRCh38, 1-based): chr2:165,992,026, C>T on the plus strand (G>A on the coding strand, the complement: SCN1A is on the minus strand). VCF-style: chr2-165992026-C-T. GRCh37 (hg19) VCF-style: chr2-166848536-C-T.
Other names: c.5165G>A, p.Ser1722Asn (NM_001353958.2, NM_001165964.3, NM_001353957.2); c.5162G>A, p.Ser1721Asn (NM_001353960.2); c.2807G>A, p.Ser936Asn (NM_001353961.2); c.5216G>A, p.Ser1739Asn (NM_006920.6, NM_001353949.2, NM_001353950.2 and 2 more transcripts); c.5249G>A (NM_001165963.1); c.5249G>A, p.Ser1750Asn (NM_001202435.3, NM_001353948.2); c.5213G>A, p.Ser1738Asn (NM_001353954.2, NM_001353955.2); short protein forms S1738N, S936N, S1722N, S1721N, S1739N, S1750N.
Identifiers: ClinVar variation 2876224 (VCV002876224.4), dbSNP rs1241938888, ClinGen allele CA349068380.

ClinVar aggregate classification (germline): Uncertain significance. Review status: criteria provided, multiple submitters, no conflicts (2 of 4 stars). 2 submissions from 2 submitters: Uncertain significance (2). Last evaluated 2026-03-23.

Conditions:
Inborn genetic diseases. Identifiers: MedGen C0950123, MeSH D030342.
Early-infantile DEE. Also called: Early infantile epileptic encephalopathy; Early infantile epileptic encephalopathy with suppression bursts; Ohtahara syndrome. Identifiers: Orphanet 1934, MedGen C0393706, MONDO:0800491.

Allele frequency attached by ClinVar (database versions not stated): gnomAD 0.00001.

Submissions (2):

Ambry Genetics
Classification: Uncertain significance for Inborn genetic diseases. Last evaluated: 2026-03-23. Review status: criteria provided, single submitter. Criteria: Ambry Variant Classification Scheme 2023. Collection method: clinical testing. Allele origin: germline.
Comment: The c.5249G>A (p.S1750N) alteration is located in exon 26 (coding exon 26) of the SCN1A gene. This alteration results from a G to A substitution at nucleotide position 5249, causing the serine (S) at amino acid position 1750 to be replaced by an asparagine (N). Based on data from gnomAD, the A allele has an overall frequency of <0.001% (1/251254) total alleles studied. The highest observed frequency was 0.003% (1/30614) of South Asian alleles. Based on insufficient or conflicting evidence, the clinical significance of this alteration remains unclear.

Labcorp Genetics (formerly Invitae), Labcorp
Classification: Uncertain significance for Early-infantile DEE. Last evaluated: 2024-10-14. Review status: criteria provided, single submitter. Criteria: Invitae Variant Classification Sherloc (09022015). Collection method: clinical testing. Allele origin: germline.
Comment: This sequence change replaces serine, which is neutral and polar, with asparagine, which is neutral and polar, at codon 1750 of the SCN1A protein (p.Ser1750Asn). This variant is present in population databases (no rsID available, gnomAD 0.003%). This variant has not been reported in the literature in individuals affected with SCN1A-related conditions. Invitae Evidence Modeling of protein sequence and biophysical properties (such as structural, functional, and spatial information, amino acid conservation, physicochemical variation, residue mobility, and thermodynamic stability) has been performed for this missense variant. However, the output from this modeling did not meet the statistical confidence thresholds required to predict the impact of this variant on SCN1A protein function. In summary, the available evidence is currently insufficient to determine the role of this variant in disease. Therefore, it has been classified as a Variant of Uncertain Significance.